The following is an entry in ClinVar:

NM_004247.4(EFTUD2):c.702+1G>T

Gene: EFTUD2 (elongation factor Tu GTP binding domain containing 2; minus strand). Cytogenetic location: 17q21.31.
Variant type: single nucleotide variant.
Coding change: c.702+1G>T on transcript NM_004247.4 (MANE Select); the canonical splice donor site of the intron after coding-DNA position 702, G replaced by T.
Molecular consequence: splice donor variant.
Genome position (GRCh38, 1-based): chr17:44,879,555, C>A on the plus strand (G>T on the coding strand, the complement: EFTUD2 is on the minus strand). VCF-style: chr17-44879555-C-A. GRCh37 (hg19) VCF-style: chr17-42956923-C-A.
Other names: c.597+1G>T (NM_001142605.2); c.672+1G>T (NM_001258354.2); c.702+1G>T (NM_001258353.2).
Identifiers: ClinVar variation 426124 (VCV000426124.5), dbSNP rs1085307457, ClinGen allele CA399821644.

ClinVar aggregate classification (germline): Pathogenic/Likely pathogenic. Review status: criteria provided, multiple submitters, no conflicts (2 of 4 stars). 2 submissions from 2 submitters: Pathogenic (1); Likely pathogenic (1). Last evaluated 2017-05-02.

Conditions:
Inborn genetic diseases. Identifiers: MedGen C0950123, MeSH D030342.

Submissions (2):

GeneDx
Classification: Pathogenic. Last evaluated: 2017-05-02. Review status: criteria provided, single submitter. Criteria: GeneDx Variant Classification (06012015). Collection method: clinical testing. Allele origin: germline. Affected: yes.
Comment: The c.702+1G>T variant in the EFTUD2 gene has not been reported previously as a pathogenic variant nor as a benign variant, to our knowledge. This splice site variant destroys the canonical splice donor site in intron 9. It is predicted to cause abnormal gene splicing, either leading to an abnormal message that is subject to nonsense-mediated mRNA decay, or to an abnormal protein product if the message is used for protein translation. The c.702+1G>T variant is not observed in large population cohorts (Lek et al., 2016; 1000 Genomes Consortium et al., 2015; Exome Variant Server). We interpret c.702+1G>T as a pathogenic variant.

Ambry Genetics
Classification: Likely pathogenic for Inborn genetic diseases. Last evaluated: 2016-10-11. Review status: criteria provided, single submitter. Criteria: Ambry exome assertion method (8-5-2015). Collection method: clinical testing. Allele origin: germline. Affected: yes. Observed: 2 variant alleles.